The following is an entry in ClinVar:

ClinVar aggregate classification (germline): Conflicting classifications of pathogenicity. Review status: criteria provided, conflicting classifications (1 of 4 stars). 5 submissions from 5 submitters: Uncertain significance (2); Likely benign (2). 1 of the submissions does not count toward it. Last evaluated 2025-12-17.

Conditions:
PRPF3-related disorder. Also called: PRPF3-related condition.
Retinitis pigmentosa (RP). Identifiers: Orphanet 791, MedGen C0035334, MeSH D012174, MONDO:0019200, OMIM 268000. Inheritance: Autosomal dominant, autosomal recessive and X linked inheritance.

Allele frequency attached by ClinVar (database versions not stated): gnomAD exomes 0.00010; ExAC 0.00013; gnomAD 0.00019; TOPMed 0.00020; ESP Exome Variant Server 0.00031.
gnomAD v4.1: 469 of 1,613,764 alleles (0.029%); highest among the groups gnomAD compares: Non-Finnish European, 0.039%; no homozygotes.

Submissions (5):

Labcorp Genetics (formerly Invitae), Labcorp
Classification: Likely benign. Last evaluated: 2025-12-17. Review status: criteria provided, single submitter. Criteria: Invitae Variant Classification Sherloc (09022015). Collection method: clinical testing. Allele origin: germline.

Blueprint Genetics
Classification: Likely benign. Last evaluated: 2024-01-29. Review status: criteria provided, single submitter. Criteria: ACMG Guidelines, 2015. Collection method: clinical testing. Allele origin: germline.

Illumina Laboratory Services, Illumina
Classification: Uncertain significance for Retinitis pigmentosa. Last evaluated: 2018-01-13. Review status: criteria provided, single submitter. Criteria: ICSL Variant Classification Criteria 13 December 2019. Collection method: clinical testing. Allele origin: germline.

Eurofins Ntd Llc (ga)
Classification: Uncertain significance. Last evaluated: 2015-03-10. Review status: criteria provided, single submitter. Criteria: EGL Classification Definitions 2015. Collection method: clinical testing. Allele origin: germline. Observed: 1 variant allele, 1 heterozygote.

PreventionGenetics, part of Exact Sciences
Classification: Likely benign for PRPF3-related condition. Last evaluated: 2024-08-27. Review status: no assertion criteria provided. Collection method: clinical testing. Allele origin: germline. Not counted in ClinVar's aggregate classification.
Comment: This variant is classified as likely benign based on ACMG/AMP sequence variant interpretation guidelines (Richards et al. 2015 PMID: 25741868, with internal and published modifications).

NM_004698.4(PRPF3):c.501A>G (p.Thr167=)

Gene: PRPF3 (pre-mRNA processing factor 3; plus strand). Cytogenetic location: 1q21.2.
Variant type: single nucleotide variant.
Coding change: c.501A>G on transcript NM_004698.4 (MANE Select); coding-DNA position 501, A replaced by G.
Protein change: p.Thr167=; no amino-acid change (threonine 167 retained).
Molecular consequence: synonymous variant. On other transcripts: non-coding transcript variant (4).
Genome position (GRCh38, 1-based): chr1:150,332,761, A>G. VCF-style: chr1-150332761-A-G. GRCh37 (hg19) VCF-style: chr1-150305232-A-G.
Other names: c.96A>G, p.Thr32= (NM_001350529.1).
Identifiers: ClinVar variation 197766 (VCV000197766.20), dbSNP rs146995242, ClinGen allele CA246087.